The following is an entry in ClinVar:

ClinVar aggregate classification (germline): Pathogenic (1 of 4 stars; one submission).

Conditions:
Progressive sclerosing poliodystrophy (MTDPS4A). Also called: Alpers-Huttenlocher Syndrome (AHS); Alpers Syndrome; ALPERS PROGRESSIVE INFANTILE POLIODYSTROPHY; Mitochondrial DNA depletion syndrome 4A (Alpers type); ALPERS DIFFUSE DEGENERATION OF CEREBRAL GRAY MATTER WITH HEPATIC CIRRHOSIS; Alpers-Huttenlocher Syndrome. Identifiers: Orphanet 726, MedGen C0205710, MONDO:0008758, OMIM 203700.

Allele frequency attached by ClinVar (database versions not stated): gnomAD exomes below 0.00001.
gnomAD v4.1: 2 of 1,613,190 alleles (0.00012%); highest among the groups gnomAD compares: Non-Finnish European, 0.00017%; no homozygotes.

Submission:

Wong Mito Lab, Molecular and Human Genetics, Baylor College of Medicine
Classification: Pathogenic for Progressive sclerosing poliodystrophy. Last evaluated: 2018-10-01. Review status: criteria provided, single submitter. Criteria: ACMG Guidelines, 2015. Collection method: clinical testing. Allele origin: germline.
Comment: The NM_002693.2:c.705G>A (NP_002684.1:p.Trp235Ter) [GRCH38: NC_000015.10:g.89330231C>T] variant in POLG gene is interpretated to be a Pathogenic based on ACMG guidelines (PMID: 25741868). This variant has been reported in PMID:16957900 . This variant meets the following evidence codes reported in the ACMG-guideline. PVS1:This variant is a predicted null variant in POLG where loss of function is a known mechanism of disease. PM2:This variant is absent in key population databases. PM3:Detected in trans with a pathogenic variant for Mitochondrial DNA depletion syndrome 4A (Alpers type) which is a recessive disorder. PM4:This variant causes alteration in the length of expressed protein. PP1:This variant is co-segregated with Mitochondrial DNA depletion syndrome 4A (Alpers type) in multiple affected family members. PP4:Patient's phenotype or family history is highly specific for POLG. Based on the evidence criteria codes applied, the variant is suggested to be Pathogenic.

Literature cited by the submitters: PubMed 16957900.

NM_002693.3(POLG):c.705G>A (p.Trp235Ter)

Genes: POLGARF (POLG alternative reading frame; minus strand), POLG (DNA polymerase gamma, catalytic subunit; minus strand). Cytogenetic location: 15q26.1.
Variant type: single nucleotide variant.
Coding change: c.705G>A on transcript NM_002693.3 (MANE Select); coding-DNA position 705, G replaced by A.
Protein change: p.Trp235Ter; replaces tryptophan 235 with a stop codon.
Molecular consequence: nonsense.
Genome position (GRCh38, 1-based): chr15:89,330,231, C>T on the plus strand (G>A on the coding strand, the complement: POLG is on the minus strand). VCF-style: chr15-89330231-C-T. GRCh37 (hg19) VCF-style: chr15-89873462-C-T.
Other names: c.705G>A, p.Trp235Ter (NM_001126131.2); short protein forms W235*.
Identifiers: ClinVar variation 619303 (VCV000619303.1), dbSNP rs1567192879, ClinGen allele CA10602297.